The following is an entry in ClinVar:

ClinVar aggregate classification (germline): Uncertain significance (1 of 4 stars; one submission).

Conditions:
Inborn genetic diseases. Identifiers: MedGen C0950123, MeSH D030342.

Submission:

Ambry Genetics
Classification: Uncertain significance for Inborn genetic diseases. Last evaluated: 2025-09-17. Review status: criteria provided, single submitter. Criteria: Ambry Variant Classification Scheme 2023. Collection method: clinical testing. Allele origin: germline.
Comment: The p.A653P variant (also known as c.1957G>C), located in coding exon 13 of the LTBP3 gene, results from a G to C substitution at nucleotide position 1957. The alanine at codon 653 is replaced by proline, an amino acid with highly similar properties. This amino acid position is conserved. In addition, this alteration is predicted to be tolerated by in silico analysis. Based on the available evidence, the clinical significance of this variant remains unclear.

NM_001130144.3(LTBP3):c.1957G>C (p.Ala653Pro)

Genes: LTBP3 (latent transforming growth factor beta binding protein 3; minus strand), LOC130006032 (ATAC-STARR-seq lymphoblastoid silent region 3535; plus strand). Cytogenetic location: 11q13.1.
Variant type: single nucleotide variant.
Coding change: c.1957G>C on transcript NM_001130144.3 (MANE Select); coding-DNA position 1957, G replaced by C.
Protein change: p.Ala653Pro; replaces alanine 653 with proline.
Molecular consequence: missense variant.
Genome position (GRCh38, 1-based): chr11:65,547,711, C>G on the plus strand (G>C on the coding strand, the complement: LTBP3 is on the minus strand). VCF-style: chr11-65547711-C-G. GRCh37 (hg19) VCF-style: chr11-65315182-C-G.
Other names: c.1606G>C, p.Ala536Pro (NM_001164266.1); c.1957G>C, p.Ala653Pro (NM_021070.4); short protein forms A536P, A653P.
Identifiers: ClinVar variation 4623988 (VCV004623988.1).